The following is an entry in ClinVar:

NM_000059.4(BRCA2):c.462_463del (p.Arg155_Asp156insTer)

Gene: BRCA2 (BRCA2 DNA repair associated; plus strand). Cytogenetic location: 13q13.1.
Variant type: Deletion.
Coding change: c.462_463del on transcript NM_000059.4 (MANE Select); coding-DNA positions 462 to 463, 2 bases deleted (AA; older notation c.462_463delAA).
Protein change: p.Arg155_Asp156insTer.
Molecular consequence: frameshift variant.
Genome position (GRCh38, 1-based): chr13:32,326,137-32,326,138, AA deleted; deleting any 2 consecutive bases within chr13:32,326,136-32,326,138 gives the same sequence; the c. name uses the placement nearest the transcript's 3' end. VCF-style (leftmost placement, unchanged base first): chr13-32326135-CAA-C. GRCh37 (hg19) VCF-style: chr13-32900272-CAA-C.
Other names: 690delAA; 690DELAA; c.462_463delAA (NM_000059.3); c.461_462del (NM_000059.3).
Identifiers: ClinVar variation 51684 (VCV000051684.32), dbSNP rs80359459, ClinGen allele CA020546.
Genomic context (GRCh38, chr13:32,326,135, plus strand): 5'-AAGGGATTTGCTTTGTTTTATTTTAGTCCTGTTGTTCTACAATGTACACATGTAACACCA[CAA>C]AGAGATAAGTCAGGTATGATTAAAAACAATGCTTTTTATTCTTAGAATACTAGAAATGTT-3'

ClinVar aggregate classification (germline): Pathogenic. Review status: reviewed by expert panel (3 of 4 stars). 17 submissions from 17 submitters: Pathogenic (1). 16 of the submissions do not count toward it. Last evaluated 2016-09-08.

Conditions:
Hereditary cancer-predisposing syndrome. Also called: Neoplastic Syndromes, Hereditary; Tumor predisposition; Hereditary Cancer Syndrome; Hereditary neoplastic syndrome. Identifiers: Orphanet 140162, MedGen C0027672, MeSH D009386, MONDO:0015356.
Hereditary breast ovarian cancer syndrome. Also called: Hereditary breast and ovarian cancer syndrome; Hereditary breast and ovarian cancer; Hereditary breast and ovarian cancer syndrome (HBOC); Breast and ovarian cancer; Hereditary breast and/or ovarian cancer syndrome; BRCA1- and BRCA2-Associated Hereditary Breast and Ovarian Cancer. Identifiers: Orphanet 145, MedGen C0677776, MeSH D061325, MONDO:0003582. Disease mechanism: loss of function.
Fanconi anemia complementation group D1. Also called: BRCA2-Related Fanconi Anemia. Identifiers: Orphanet 319462, MedGen C1838457, MONDO:0011584, OMIM 605724.
Breast-ovarian cancer, familial, susceptibility to, 2 (BROVCA2). Also called: BRCA2 Hereditary Breast and Ovarian Cancer. Identifiers: Orphanet 145, MedGen C2675520, MONDO:0012933, OMIM 612555. Disease mechanism: loss of function.
Familial cancer of breast. Also called: BREAST CANCER, FAMILIAL; Hereditary breast cancer; hereditary breast carcinoma. Identifiers: Orphanet 227535, MedGen C0346153, MONDO:0016419, OMIM 114480. Disease mechanism: loss of function.
Rhabdomyosarcoma. Also called: Rhabdomyosarcoma (disease). Identifiers: Orphanet 780, MedGen C0035412, MeSH D012208, MONDO:0005212, HP:0002859.
Breast and/or ovarian cancer. Identifiers: MedGen CN221562.

Submissions 1 to 9 of 17:

Evidence-based Network for the Interpretation of Germline Mutant Alleles (ENIGMA)
Classification: Pathogenic for Breast-ovarian cancer, familial, susceptibility to, 2. Last evaluated: 2016-09-08. Review status: reviewed by expert panel. Criteria: ENIGMA BRCA1/2 Classification Criteria (2015). Collection method: curation. Allele origin: germline.
Comment: Variant allele predicted to encode a truncated non-functional protein.

Women's Health and Genetics/Laboratory Corporation of America, LabCorp
Classification: Pathogenic for Hereditary breast ovarian cancer syndrome. Last evaluated: 2025-05-13. Review status: criteria provided, single submitter. Criteria: LabCorp Variant Classification Summary - May 2015. Collection method: clinical testing. Allele origin: germline. Not counted in ClinVar's aggregate classification.
Comment: Variant summary: BRCA2 c.462_463delAA (p.Asp156X) results in a premature termination codon, predicted to cause a truncation of the encoded protein or absence of the protein due to nonsense mediated decay, which are commonly known mechanisms for disease. The variant was absent in 251062 control chromosomes. c.462_463delAA has been observed in individual(s) affected with Hereditary Breast And Ovarian Cancer Syndrome (e.g. Lightenberg 1999, Meindl 2002, Machackova 2008). These data indicate that the variant is likely to be associated with disease. To our knowledge, no experimental evidence demonstrating an impact on protein function has been reported. The following publications have been ascertained in the context of this evaluation (PMID: 11802209, 18489799, 16683254, 15024741, 23531862, 10188893, 27836010, 29368341). ClinVar contains an entry for this variant (Variation ID: 51684). Based on the evidence outlined above, the variant was classified as pathogenic.

Labcorp Genetics (formerly Invitae), Labcorp
Classification: Pathogenic for Hereditary breast ovarian cancer syndrome. Last evaluated: 2024-07-23. Review status: criteria provided, single submitter. Criteria: Invitae Variant Classification Sherloc (09022015). Collection method: clinical testing. Allele origin: germline. Not counted in ClinVar's aggregate classification.
Comment: This sequence change creates a premature translational stop signal (p.Asp156*) in the BRCA2 gene. It is expected to result in an absent or disrupted protein product. Loss-of-function variants in BRCA2 are known to be pathogenic (PMID: 20104584). This variant is not present in population databases (gnomAD no frequency). This premature translational stop signal has been observed in individual(s) with breast and/or ovarian cancer (PMID: 10188893, 15024741, 18489799). This variant is also known as c.462_463del2 or 690delAA. ClinVar contains an entry for this variant (Variation ID: 51684). For these reasons, this variant has been classified as Pathogenic.

All of Us Research Program, National Institutes of Health
Classification: Pathogenic for Breast-ovarian cancer, familial, susceptibility to, 2. Last evaluated: 2023-11-17. Review status: criteria provided, single submitter. Criteria: ACMG Guidelines, 2015. Collection method: clinical testing. Allele origin: germline. Inheritance: Autosomal dominant inheritance. Observed: 2 variant alleles, 2 heterozygotes. Not counted in ClinVar's aggregate classification.
Comment: This variant deletes 2 nucleotides in exon 5 of the BRCA2 gene, creating a frameshift and premature translation stop signal. This variant is expected to result in an absent or non-functional protein product. To our knowledge, functional studies have not been reported for this variant. This variant has been reported in 2 individuals affected with breast or ovarian cancer, 1 individual affected with recurrent or metastatic prostate cancer (PMID: 11802209, 15024741, 18489799, 29368341) and has been identified in 13 families among the CIMBA participants (PMID: 29446198). This variant has not been identified in the general population by the Genome Aggregation Database (gnomAD). Loss of BRCA2 function is a known mechanism of disease. Based on the available evidence, this variant is classified as Pathogenic.

This study involves interpretation of variants in research participants for the purpose of population health screening. Participant phenotype was not available at the time of variant classification. Additional details can be found in publication PMID: 35346344, PMCID: PMC8962531

Ambry Genetics
Classification: Pathogenic for Hereditary cancer-predisposing syndrome. Last evaluated: 2023-07-13. Review status: criteria provided, single submitter. Criteria: Ambry Variant Classification Scheme 2023. Collection method: clinical testing. Allele origin: germline. Not counted in ClinVar's aggregate classification.
Comment: The c.462_463delAA pathogenic mutation (also known as p.D156*), located in coding exon 4 of the BRCA2 gene, results from a deletion of two nucleotides at nucleotide positions 462 to 463. This changes the amino acid from an aspartic acid to a stop codon within coding exon 4. This mutation has been previously reported in multiple individuals with personal or family history of breast/ovarian cancer (Ligtenberg MJ et al. Br. J. Cancer 1999 Mar;79:1475-8); Foretova L et al. Hum. Mutat. 2004 Apr;23:397-8). Of note, this alteration is also designated as 690delAA in published literature. This variant is considered to be rare based on population cohorts in the Genome Aggregation Database (gnomAD). In addition to the clinical data presented in the literature, this alteration is expected to result in loss of function by premature protein truncation or nonsense-mediated mRNA decay. As such, this alteration is interpreted as a disease-causing mutation.

Color Diagnostics, LLC DBA Color Health
Classification: Pathogenic for Hereditary cancer-predisposing syndrome. Last evaluated: 2023-03-08. Review status: criteria provided, single submitter. Criteria: ACMG Guidelines, 2015. Collection method: clinical testing. Allele origin: germline. Not counted in ClinVar's aggregate classification.
Comment: This variant deletes 2 nucleotides in exon 5 of the BRCA2 gene, creating a frameshift and premature translation stop signal. This variant is expected to result in an absent or non-functional protein product. To our knowledge, functional studies have not been reported for this variant. This variant has been reported in 2 individuals affected with breast or ovarian cancer, 1 individual affected with recurrent or metastatic prostate cancer (PMID: 11802209, 15024741, 18489799, 29368341) and has been identified in 13 families among the CIMBA participants (PMID: 29446198). This variant has not been identified in the general population by the Genome Aggregation Database (gnomAD). Loss of BRCA2 function is a known mechanism of disease. Based on the available evidence, this variant is classified as Pathogenic.

Baylor Genetics
Classification: Pathogenic for Familial cancer of breast. Last evaluated: 2021-03-16. Review status: criteria provided, single submitter. Criteria: ACMG Guidelines, 2015. Collection method: clinical testing. Allele origin: unknown. Not counted in ClinVar's aggregate classification.

GeneDx
Classification: Pathogenic. Last evaluated: 2016-12-15. Review status: criteria provided, single submitter. Criteria: GeneDx Variant Classification (06012015). Collection method: clinical testing. Allele origin: germline. Affected: yes. Not counted in ClinVar's aggregate classification.
Comment: This deletion of two nucleotides is denoted BRCA2 c.462_463delAA at the cDNA level and p.Asp156Ter (D156X) at the protein level. The normal sequence, with the bases that are deleted in brackets, is CACA[delAA]GAGA. The deletion creates a nonsense variant, which changes an Aspartic Acid to a premature stop codon. This variant is predicted to cause loss of normal protein function through either protein truncation or nonsense-mediated mRNA decay. BRCA2 c.462_463delAA, previously reported as 690delAA using alternate nomenclature, has been observed in several families with breast and/or ovarian cancer (Lightenberg 1999, Meindl 2002, Rebbeck 2016). This variant is considered pathogenic.

Consortium of Investigators of Modifiers of BRCA1/2 (CIMBA), c/o University of Cambridge
Classification: Pathogenic for Breast-ovarian cancer, familial, susceptibility to, 2. Last evaluated: 2015-10-02. Review status: criteria provided, single submitter. Criteria: CIMBA Mutation Classification guidelines May 2016. Collection method: clinical testing. Allele origin: germline. Not counted in ClinVar's aggregate classification.